The following is an entry in ClinVar:

ClinVar aggregate classification (germline): Uncertain significance (1 of 4 stars; one submission).

Allele frequency attached by ClinVar (database versions not stated): gnomAD exomes below 0.00001.
gnomAD v4.1: 2 of 1,614,154 alleles (0.00012%); highest among the groups gnomAD compares: Non-Finnish European, 0.000085%; no homozygotes.

Submission:

Labcorp Genetics (formerly Invitae), Labcorp
Classification: Uncertain significance. Last evaluated: 2022-07-06. Review status: criteria provided, single submitter. Criteria: Invitae Variant Classification Sherloc (09022015). Collection method: clinical testing. Allele origin: germline.
Comment: This sequence change affects codon 149 of the MTMR14 mRNA. It is a 'silent' change, meaning that it does not change the encoded amino acid sequence of the MTMR14 protein. This variant is present in population databases (rs756173272, gnomAD 0.0009%). This variant has not been reported in the literature in individuals affected with MTMR14-related conditions. ClinVar contains an entry for this variant (Variation ID: 1368270). Algorithms developed to predict the effect of sequence changes on RNA splicing suggest that this variant may disrupt the consensus splice site. In summary, the available evidence is currently insufficient to determine the role of this variant in disease. Therefore, it has been classified as a Variant of Uncertain Significance.

NM_001077525.3(MTMR14):c.447A>T (p.Gly149=)

Gene: MTMR14 (myotubularin related protein 14; plus strand). Cytogenetic location: 3p25.3.
Variant type: single nucleotide variant.
Coding change: c.447A>T on transcript NM_001077525.3 (MANE Select); coding-DNA position 447, A replaced by T.
Protein change: p.Gly149=; no amino-acid change (glycine 149 retained).
Molecular consequence: synonymous variant.
Genome position (GRCh38, 1-based): chr3:9,668,748, A>T. VCF-style: chr3-9668748-A-T. GRCh37 (hg19) VCF-style: chr3-9710432-A-T.
Other names: c.447A>T, p.Gly149= (NM_001077526.3, NM_022485.5).
Identifiers: ClinVar variation 1368270 (VCV001368270.8), dbSNP rs756173272, ClinGen allele CA2240297.